The following is an entry in ClinVar:

ClinVar aggregate classification (germline): Uncertain significance. Review status: criteria provided, multiple submitters, no conflicts (2 of 4 stars). 2 submissions from 2 submitters: Uncertain significance (2). Last evaluated 2025-12-28.

Allele frequency attached by ClinVar (database versions not stated): ExAC 0.00002; gnomAD exomes 0.00003; TOPMed 0.00003; gnomAD 0.00004; ESP Exome Variant Server 0.00008.
gnomAD v4.1: 51 of 1,613,552 alleles (0.0032%); highest among the groups gnomAD compares: Non-Finnish European, 0.0038%; no homozygotes.

Submissions (2):

Labcorp Genetics (formerly Invitae), Labcorp
Classification: Uncertain significance. Last evaluated: 2025-12-28. Review status: criteria provided, single submitter. Criteria: Invitae Variant Classification Sherloc (09022015). Collection method: clinical testing. Allele origin: germline.
Comment: This sequence change replaces aspartic acid, which is acidic and polar, with glycine, which is neutral and non-polar, at codon 278 of the MCM4 protein (p.Asp278Gly). This variant is present in population databases (rs138414241, gnomAD 0.01%). This variant has not been reported in the literature in individuals affected with MCM4-related conditions. ClinVar contains an entry for this variant (Variation ID: 1982747). An algorithm developed to predict the effect of missense changes on protein structure and function (PolyPhen-2) suggests that this variant is likely to be disruptive. In summary, the available evidence is currently insufficient to determine the role of this variant in disease. Therefore, it has been classified as a Variant of Uncertain Significance.

Ambry Genetics
Classification: Uncertain significance. Last evaluated: 2024-06-07. Review status: criteria provided, single submitter. Criteria: Ambry Variant Classification Scheme 2023. Collection method: clinical testing. Allele origin: germline.

NM_182746.3(MCM4):c.833A>G (p.Asp278Gly)

Gene: MCM4 (minichromosome maintenance complex component 4; plus strand). Cytogenetic location: 8q11.21.
Variant type: single nucleotide variant.
Coding change: c.833A>G on transcript NM_182746.3 (MANE Select); coding-DNA position 833, A replaced by G.
Protein change: p.Asp278Gly; replaces aspartic acid 278 with glycine.
Molecular consequence: missense variant.
Genome position (GRCh38, 1-based): chr8:47,966,187, A>G. VCF-style: chr8-47966187-A-G. GRCh37 (hg19) VCF-style: chr8-48878747-A-G.
Other names: c.833A>G, p.Asp278Gly (NM_005914.4); c.833A>G (NM_005914.3); short protein forms D278G.
Identifiers: ClinVar variation 1982747 (VCV001982747.4), dbSNP rs138414241, ClinGen allele CA4742445.
Genomic context (GRCh38, chr8:47,966,187, plus strand): 5'-GCTATTCCTGGACCTCCACACCTCAGGTCAGGTGTGCTGACCTCTCTTCTCCCCTCACAG[A>G]CATTGACCAGCTCATCACCATCAGCGGCATGGTGATCAGGACATCCCAGCTGATTCCCGA-3'
Protein context (NP_877423.1, residues 268-288): TKNMRNLNPE[Asp278Gly]IDQLITISGM